The following is an entry in ClinVar:

NM_018194.6(HHAT):c.1A>T (p.Met1Leu)

Gene: HHAT (hedgehog acyltransferase; plus strand). Cytogenetic location: 1q32.2.
Variant type: single nucleotide variant.
Coding change: c.1A>T on transcript NM_018194.6 (MANE Select); coding-DNA position 1, A replaced by T.
Protein change: p.Met1Leu; changes the start codon (methionine 1).
Molecular consequence: missense variant, initiator codon variant. On other transcripts: intron variant (1).
Genome position (GRCh38, 1-based): chr1:210,348,976, A>T. VCF-style: chr1-210348976-A-T. GRCh37 (hg19) VCF-style: chr1-210522320-A-T.
Other names: c.1A>T, p.Met1Leu (NM_001122834.4, NM_001170564.3, NM_001170580.3 and 1 more transcripts); c.95-13876A>T (NM_001170587.3); short protein forms M1L.
Identifiers: ClinVar variation 521737 (VCV000521737.4), dbSNP rs1340611668, ClinGen allele CA344867430.

ClinVar aggregate classification (germline): Likely pathogenic (1 of 4 stars; one submission).

Conditions:
Inborn genetic diseases. Identifiers: MedGen C0950123, MeSH D030342.

Submission:

Ambry Genetics
Classification: Likely pathogenic for Hereditary disease. Last evaluated: 2017-06-16. Review status: criteria provided, single submitter. Criteria: ambry_reporting_categories_2017. Collection method: clinical testing. Allele origin: germline. Affected: yes. Observed: 1 homozygote. Segregation with disease observed.
Comment: Lines of evidence used in support of classification: CANDIDATE: Alteration(s) of Potential Clinical Relevance Detected

Literature cited by the submitters: PubMed 18534984; PubMed 24784881; PubMed 15075292; PubMed 23055936.